The following is an entry in ClinVar:

NM_145725.3(TRAF3):c.1466delinsTTCCTTG (p.Pro489delinsLeuProTrp)

Gene: TRAF3 (TNF receptor associated factor 3; plus strand). Cytogenetic location: 14q32.32.
Variant type: Indel.
Coding change: c.1466delinsTTCCTTG on transcript NM_145725.3 (MANE Select); coding-DNA position 1466, C replaced by TTCCTTG.
Protein change: p.Pro489delinsLeuProTrp.
Molecular consequence: inframe indel.
Genome position (GRCh38, 1-based): chr14:102,905,543, C replaced by TTCCTTG. VCF-style: chr14-102905543-C-TTCCTTG. GRCh37 (hg19) VCF-style: chr14-103371880-C-TTCCTTG.
Other names: c.1217delinsTTCCTTG, p.Pro406delinsLeuProTrp (NM_001199427.2); c.1325delinsTTCCTTG, p.Pro442delinsLeuProTrp (NM_001385142.1); c.1385delinsTTCCTTG, p.Pro462delinsLeuProTrp (NM_001385143.1); c.1466delinsTTCCTTG, p.Pro489delinsLeuProTrp (NM_003300.4); c.1391delinsTTCCTTG, p.Pro464delinsLeuProTrp (NM_145726.3).
Identifiers: ClinVar variation 972273 (VCV000972273.6), dbSNP rs1890546342, ClinGen allele CA1139663753.
Genomic context (GRCh38, chr14:102,905,543, plus strand): 5'-CGCACTTGTCGCTGTTTTTTGTCATCATGCGTGGAGAATATGATGCCCTGCTTCCTTGGC[C>TTCCTTG]GTTTAAGCAGAAAGTGACACTCATGCTGATGGATCAGGGGTCCTCTCGACGTCATTTGGG-3'

ClinVar aggregate classification (germline): Uncertain significance (1 of 4 stars; one submission).

Conditions:
Immunodeficiency 132A. Also called: Herpes simplex encephalitis, susceptibility to, 3. Identifiers: Orphanet 1930, MedGen C3553868, MONDO:0013920, OMIM 614849.

Submission:

Labcorp Genetics (formerly Invitae), Labcorp
Classification: Uncertain significance for Immunodeficiency 132A. Last evaluated: 2026-02-01. Review status: criteria provided, single submitter. Criteria: Invitae Variant Classification Sherloc (09022015). Collection method: clinical testing. Allele origin: germline.
Comment: This variant, c.1466delinsTTCCTTG, is a complex sequence change that results in the insertion of 2 amino acid(s) in the TRAF3 protein (p.Pro489delinsLeuProTrp). Information on the frequency of this variant in the gnomAD database is not available, as this variant may be reported differently in the database. This variant has not been reported in the literature in individuals affected with TRAF3-related conditions. Experimental studies and prediction algorithms are not available or were not evaluated, and the functional significance of this variant is currently unknown. In summary, the available evidence is currently insufficient to determine the role of this variant in disease. Therefore, it has been classified as a Variant of Uncertain Significance.